The following is an entry in ClinVar:

GRCh37/hg19 16p11.2(chr16:29567296-30240227)x1

Genes: TMEM219 (transmembrane protein 219; plus strand), YPEL3 (yippee like 3; minus strand), ZG16 (zymogen granule protein 16; plus strand), KIF22 (kinesin family member 22; plus strand), MAPK3 (mitogen-activated protein kinase 3; minus strand) and 25 more. Cytogenetic location: 16p11.2.
Variant type: copy number loss.
Change: copy number 1 (one copy instead of two) of chr16:29,567,296-30,240,227 (672.9 kb, GRCh37 coordinates, 1-based), cytogenetic band 16p11.2.
Identifiers: ClinVar variation 1808476 (VCV001808476.2).

ClinVar aggregate classification (germline): Pathogenic (1 of 4 stars; one submission).

Submission:

Quest Diagnostics Nichols Institute San Juan Capistrano
Classification: Pathogenic. Last evaluated: 2024-10-24. Review status: criteria provided, single submitter. Criteria: ACMG/ClinGen CNV Guidelines, 2019. Collection method: clinical testing. Allele origin: unknown.
Comment: This 16p11.2 copy number loss involves several protein-coding genes including TBX6 (OMIM 602427) and is associated with the proximal (BP4-BP5) 16p11.2 microdeletion syndrome (OMIM 611913; ISCA-37400), which is characterized by various phenotypes (Taylor 2021). Inheritance from an unaffected or mildly affected parent has been reported, suggesting incomplete penetrance and variable expressivity. This copy number variant is classified as pathogenic with variable phenotypic expressivity and reduced penetrance. References: Taylor et al. GeneReviews [Oct 28 2021]. PMID: 20301775